The following is an entry in ClinVar:

ClinVar aggregate classification (germline): Uncertain significance. Review status: criteria provided, multiple submitters, no conflicts (2 of 4 stars). 3 submissions from 3 submitters: Uncertain significance (3). Last evaluated 2025-04-22.

Conditions:
Hereditary breast ovarian cancer syndrome. Also called: Hereditary breast and ovarian cancer syndrome; Hereditary breast and ovarian cancer; Hereditary breast and ovarian cancer syndrome (HBOC); Breast and ovarian cancer; Hereditary breast and/or ovarian cancer syndrome; BRCA1- and BRCA2-Associated Hereditary Breast and Ovarian Cancer. Identifiers: Orphanet 145, MedGen C0677776, MeSH D061325, MONDO:0003582. Disease mechanism: loss of function.
Familial cancer of breast. Also called: BREAST CANCER, FAMILIAL; Hereditary breast cancer; hereditary breast carcinoma. Identifiers: Orphanet 227535, MedGen C0346153, MONDO:0016419, OMIM 114480. Disease mechanism: loss of function.
Hereditary cancer-predisposing syndrome. Also called: Neoplastic Syndromes, Hereditary; Tumor predisposition; Hereditary neoplastic syndrome; Hereditary Cancer Syndrome. Identifiers: Orphanet 140162, MedGen C0027672, MeSH D009386, MONDO:0015356.

Submissions (3):

Ambry Genetics
Classification: Uncertain significance for Hereditary cancer-predisposing syndrome. Last evaluated: 2025-04-22. Review status: criteria provided, single submitter. Criteria: Ambry Variant Classification Scheme 2023. Collection method: clinical testing. Allele origin: germline.
Comment: The p.S538R variant (also known as c.1614T>G), located in coding exon 7 of the BARD1 gene, results from a T to G substitution at nucleotide position 1614. The serine at codon 538 is replaced by arginine, an amino acid with dissimilar properties. This amino acid position is poorly conserved in available vertebrate species. In addition, this alteration is predicted to be tolerated by in silico analysis. Based on the available evidence, the clinical significance of this variant remains unclear.

Baylor Genetics
Classification: Uncertain significance for Familial cancer of breast. Last evaluated: 2023-11-12. Review status: criteria provided, single submitter. Criteria: ACMG Guidelines, 2015. Collection method: clinical testing. Allele origin: unknown.

Department of Pathology and Laboratory Medicine, Sinai Health System
Classification: Uncertain significance for Hereditary breast ovarian cancer syndrome. Last evaluated: 2023-03-02. Review status: criteria provided, single submitter. Criteria: ACMG Guidelines, 2015. Collection method: clinical testing. Allele origin: germline. Affected: yes.

NM_000465.4(BARD1):c.1614T>G (p.Ser538Arg)

Gene: BARD1 (BRCA1 associated RING domain 1; minus strand). Cytogenetic location: 2q35.
Variant type: single nucleotide variant.
Coding change: c.1614T>G on transcript NM_000465.4 (MANE Select); coding-DNA position 1614, T replaced by G.
Protein change: p.Ser538Arg; replaces serine 538 with arginine.
Molecular consequence: missense variant. On other transcripts: non-coding transcript variant (3), intron variant (1).
Genome position (GRCh38, 1-based): chr2:214,752,510, A>C on the plus strand (T>G on the coding strand, the complement: BARD1 is on the minus strand). VCF-style: chr2-214752510-A-C. GRCh37 (hg19) VCF-style: chr2-215617234-A-C.
Other names: c.1557T>G, p.Ser519Arg (NM_001282543.2); c.261T>G, p.Ser87Arg (NM_001282545.2); c.204T>G, p.Ser68Arg (NM_001282548.2); c.365-22002T>G (NM_001282549.2); c.1614T>G (NM_000465.3, NM_000465.2); short protein forms S519R, S538R, S68R, S87R.
Identifiers: ClinVar variation 3240860 (VCV003240860.3), dbSNP rs781448650.